The following is an entry in ClinVar:

ClinVar aggregate classification (germline): Uncertain significance (1 of 4 stars; one submission).

Submission:

Labcorp Genetics (formerly Invitae), Labcorp
Classification: Uncertain significance. Last evaluated: 2024-01-08. Review status: criteria provided, single submitter. Criteria: Invitae Variant Classification Sherloc (09022015). Collection method: clinical testing. Allele origin: germline.
Comment: This sequence change replaces glutamine, which is neutral and polar, with histidine, which is basic and polar, at codon 370 of the FZD2 protein (p.Gln370His). This variant is not present in population databases (gnomAD no frequency). This variant has not been reported in the literature in individuals affected with FZD2-related conditions. ClinVar contains an entry for this variant (Variation ID: 1960300). Advanced modeling of protein sequence and biophysical properties (such as structural, functional, and spatial information, amino acid conservation, physicochemical variation, residue mobility, and thermodynamic stability) performed at Invitae indicates that this missense variant is not expected to disrupt FZD2 protein function with a negative predictive value of 80%. In summary, the available evidence is currently insufficient to determine the role of this variant in disease. Therefore, it has been classified as a Variant of Uncertain Significance.

NM_001466.4(FZD2):c.1110G>T (p.Gln370His)

Gene: FZD2 (frizzled class receptor 2; plus strand). Cytogenetic location: 17q21.31.
Variant type: single nucleotide variant.
Coding change: c.1110G>T on transcript NM_001466.4 (MANE Select); coding-DNA position 1110, G replaced by T.
Protein change: p.Gln370His; replaces glutamine 370 with histidine.
Molecular consequence: missense variant.
Genome position (GRCh38, 1-based): chr17:44,558,798, G>T. VCF-style: chr17-44558798-G-T. GRCh37 (hg19) VCF-style: chr17-42636166-G-T.
Other names: short protein forms Q370H.
Identifiers: ClinVar variation 1960300 (VCV001960300.5), dbSNP rs2544584636, ClinGen allele CA399797868.
Genomic context (GRCh38, chr17:44,558,798, plus strand): 5'-CACCTGGTTCCTGGCAGCCGGCATGAAGTGGGGCCACGAGGCCATCGAGGCCAACTCTCA[G>T]TACTTCCACCTGGCCGCCTGGGCCGTGCCGGCCGTCAAGACCATCACCATCCTGGCCATG-3'
Protein context (NP_001457.1, residues 360-380): WGHEAIEANS[Gln370His]YFHLAAWAVP